The following is an entry in ClinVar:

NM_005901.6(SMAD2):c.1294A>C (p.Thr432Pro)

Gene: SMAD2 (SMAD family member 2; minus strand). Cytogenetic location: 18q21.1.
Variant type: single nucleotide variant.
Coding change: c.1294A>C on transcript NM_005901.6 (MANE Select); coding-DNA position 1294, A replaced by C.
Protein change: p.Thr432Pro; replaces threonine 432 with proline.
Molecular consequence: missense variant.
Genome position (GRCh38, 1-based): chr18:47,841,937, T>G on the plus strand (A>C on the coding strand, the complement: SMAD2 is on the minus strand). VCF-style: chr18-47841937-T-G. GRCh37 (hg19) VCF-style: chr18-45368308-T-G.
Other names: c.1294A>C, p.Thr432Pro (NM_001003652.4); c.1204A>C, p.Thr402Pro (NM_001135937.3); short protein forms T402P, T432P.
Identifiers: ClinVar variation 1695553 (VCV001695553.3), dbSNP rs2144277057, ClinGen allele CA402502726.

ClinVar aggregate classification (germline): Uncertain significance (1 of 4 stars; one submission).

Submission:

GeneDx
Classification: Uncertain significance. Last evaluated: 2023-05-30. Review status: criteria provided, single submitter. Criteria: GeneDx Variant Classification Process June 2021. Collection method: clinical testing. Allele origin: germline. Affected: yes.
Comment: Has not been previously published as pathogenic or benign to our knowledge; Not observed at significant frequency in large population cohorts (gnomAD); In silico analysis supports that this missense variant has a deleterious effect on protein structure/function